The following is an entry in ClinVar:

NM_001128840.3(CACNA1D):c.5534A>G (p.Tyr1845Cys)

Gene: CACNA1D (calcium voltage-gated channel subunit alpha1 D; plus strand). Cytogenetic location: 3p21.1.
Variant type: single nucleotide variant.
Coding change: c.5534A>G on transcript NM_001128840.3 (MANE Select); coding-DNA position 5534, A replaced by G.
Protein change: p.Tyr1845Cys; replaces tyrosine 1845 with cysteine.
Molecular consequence: missense variant.
Genome position (GRCh38, 1-based): chr3:53,803,521, A>G. VCF-style: chr3-53803521-A-G. GRCh37 (hg19) VCF-style: chr3-53837548-A-G.
Other names: c.5594A>G, p.Tyr1865Cys (NM_000720.4); c.5462A>G, p.Tyr1821Cys (NM_001128839.3); short protein forms Y1821C, Y1865C, Y1845C.
Identifiers: ClinVar variation 1971258 (VCV001971258.5), dbSNP rs2474493263, ClinGen allele CA353253750.

ClinVar aggregate classification (germline): Uncertain significance (1 of 4 stars; one submission).

Submission:

Labcorp Genetics (formerly Invitae), Labcorp
Classification: Uncertain significance. Last evaluated: 2022-01-01. Review status: criteria provided, single submitter. Criteria: Invitae Variant Classification Sherloc (09022015). Collection method: clinical testing. Allele origin: germline.
Comment: In summary, the available evidence is currently insufficient to determine the role of this variant in disease. Therefore, it has been classified as a Variant of Uncertain Significance. Algorithms developed to predict the effect of missense changes on protein structure and function are either unavailable or do not agree on the potential impact of this missense change (SIFT: "Deleterious"; PolyPhen-2: "Probably Damaging"; Align-GVGD: "Class C0"). This variant has not been reported in the literature in individuals affected with CACNA1D-related conditions. This variant is not present in population databases (gnomAD no frequency). This sequence change replaces tyrosine, which is neutral and polar, with cysteine, which is neutral and slightly polar, at codon 1865 of the CACNA1D protein (p.Tyr1865Cys).